The following is an entry in ClinVar:

ClinVar aggregate classification (germline): Conflicting classifications of pathogenicity. Review status: criteria provided, conflicting classifications (1 of 4 stars). 4 submissions from 4 submitters: Uncertain significance (2); Likely benign (1). 1 of the submissions does not count toward it. Last evaluated 2024-03-24.

Conditions:
Bloom syndrome (BLM). Also called: Bloom-Torre-Machacek syndrome. Identifiers: Orphanet 125, MedGen C0005859, MONDO:0008876, OMIM 210900.
Hereditary cancer-predisposing syndrome. Also called: Neoplastic Syndromes, Hereditary; Tumor predisposition; Hereditary Cancer Syndrome; Hereditary neoplastic syndrome. Identifiers: Orphanet 140162, MedGen C0027672, MeSH D009386, MONDO:0015356.
BLM-related disorder. Also called: BLM-related condition.

Allele frequency attached by ClinVar (database versions not stated): gnomAD 0.00001; TOPMed 0.00001.
gnomAD v4.1: 2 of 1,614,032 alleles (0.00012%); highest among the groups gnomAD compares: African/African-American, 0.0027%; no homozygotes.

Submissions (4):

Labcorp Genetics (formerly Invitae), Labcorp
Classification: Uncertain significance for Bloom syndrome. Last evaluated: 2024-03-24. Review status: criteria provided, single submitter. Criteria: Invitae Variant Classification Sherloc (09022015). Collection method: clinical testing. Allele origin: germline.
Comment: This sequence change replaces lysine, which is basic and polar, with arginine, which is basic and polar, at codon 1356 of the BLM protein (p.Lys1356Arg). This variant is present in population databases (no rsID available, gnomAD 0.02%). This variant has not been reported in the literature in individuals affected with BLM-related conditions. ClinVar contains an entry for this variant (Variation ID: 485342). Advanced modeling of protein sequence and biophysical properties (such as structural, functional, and spatial information, amino acid conservation, physicochemical variation, residue mobility, and thermodynamic stability) performed at Invitae indicates that this missense variant is not expected to disrupt BLM protein function with a negative predictive value of 80%. In summary, the available evidence is currently insufficient to determine the role of this variant in disease. Therefore, it has been classified as a Variant of Uncertain Significance.

Ambry Genetics
Classification: Likely benign for Hereditary cancer-predisposing syndrome. Last evaluated: 2024-03-14. Review status: criteria provided, single submitter. Criteria: Ambry Variant Classification Scheme 2023. Collection method: clinical testing. Allele origin: germline.

PreventionGenetics, part of Exact Sciences
Classification: Uncertain significance for BLM-related condition. Last evaluated: 2022-08-23. Review status: criteria provided, single submitter. Criteria: ACMG Guidelines, 2015. Collection method: clinical testing. Allele origin: germline.
Comment: The BLM c.4067A>G variant is predicted to result in the amino acid substitution p.Lys1356Arg. To our knowledge, this variant has not been reported in the literature. This variant is reported in 0.023% of alleles in individuals of African descent in gnomAD and is interpreted as uncertain significance in ClinVar. At this time, the clinical significance of this variant is uncertain due to the absence of conclusive functional and genetic evidence.

Natera, Inc.
Classification: Uncertain significance for Bloom syndrome. Last evaluated: 2018-07-21. Review status: no assertion criteria provided. Collection method: clinical testing. Allele origin: germline. Not counted in ClinVar's aggregate classification.

NM_000057.4(BLM):c.4067A>G (p.Lys1356Arg)

Gene: BLM (BLM RecQ like helicase; plus strand). Cytogenetic location: 15q26.1.
Variant type: single nucleotide variant.
Coding change: c.4067A>G on transcript NM_000057.4 (MANE Select); coding-DNA position 4067, A replaced by G.
Protein change: p.Lys1356Arg; replaces lysine 1356 with arginine.
Molecular consequence: missense variant.
Genome position (GRCh38, 1-based): chr15:90,811,397, A>G. VCF-style: chr15-90811397-A-G. GRCh37 (hg19) VCF-style: chr15-91354627-A-G.
Other names: c.4067A>G (LRG_20t1); c.4067A>G, p.Lys1356Arg (NM_001287246.2); c.3674A>G, p.Lys1225Arg (NM_001287247.2); c.2942A>G, p.Lys981Arg (NM_001287248.2); short protein forms K1356R, K981R, K1225R.
Identifiers: ClinVar variation 485342 (VCV000485342.19), dbSNP rs945181516, ClinGen allele CA274729005.